The following is an entry in ClinVar:

ClinVar aggregate classification (germline): Uncertain significance. Review status: criteria provided, multiple submitters, no conflicts (2 of 4 stars). 2 submissions from 2 submitters: Uncertain significance (2). Last evaluated 2026-05-22.

Conditions:
Autosomal recessive limb-girdle muscular dystrophy. Identifiers: Orphanet 102015, MedGen C2931907, MONDO:0015152.
Neuromuscular disease caused by qualitative or quantitative defects of dysferlin. Also called: Dysferlinopathy; Qualitative or quantitative defects of dysferlin. Identifiers: Orphanet 207073, MedGen C2931687, MONDO:0016145.

Allele frequency attached by ClinVar (database versions not stated): TOPMed below 0.00001; gnomAD 0.00001; gnomAD exomes 0.00001.

Submissions (2):

Myriad Genetics, Inc.
Classification: Uncertain significance for Autosomal recessive limb-girdle muscular dystrophy. Last evaluated: 2026-05-22. Review status: criteria provided, single submitter. Criteria: Myriad Autosomal Dominant, Autosomal Recessive and X-Linked Classification Criteria (2023). Collection method: clinical testing. Allele origin: unknown.
Comment: NM_003494.3(DYSF):c.440A>G(D147G) is a missense variant classified as a variant of uncertain significance in the context of dysferlinopathy. D147G has been observed in cases with relevant disease (PMID: 39678382). Relevant functional assessments of this variant are not available in the literature. D147G has not been observed in referenced population frequency databases. In summary, there is insufficient evidence to classify NM_003494.3(DYSF):c.440A>G(D147G) as pathogenic or benign. Please note: this variant was assessed in the context of healthy population screening.

Labcorp Genetics (formerly Invitae), Labcorp
Classification: Uncertain significance for Neuromuscular disease caused by qualitative or quantitative defects of dysferlin. Last evaluated: 2022-10-27. Review status: criteria provided, single submitter. Criteria: Invitae Variant Classification Sherloc (09022015). Collection method: clinical testing. Allele origin: germline.
Comment: This sequence change replaces aspartic acid, which is acidic and polar, with glycine, which is neutral and non-polar, at codon 147 of the DYSF protein (p.Asp147Gly). This variant is not present in population databases (gnomAD no frequency). This variant has not been reported in the literature in individuals affected with DYSF-related conditions. ClinVar contains an entry for this variant (Variation ID: 665614). Advanced modeling of protein sequence and biophysical properties (such as structural, functional, and spatial information, amino acid conservation, physicochemical variation, residue mobility, and thermodynamic stability) performed at Invitae indicates that this missense variant is not expected to disrupt DYSF protein function. In summary, the available evidence is currently insufficient to determine the role of this variant in disease. Therefore, it has been classified as a Variant of Uncertain Significance.

Literature cited by the submitters: PubMed 39678382 (cited by Myriad Genetics, Inc.).

NM_001130987.2(DYSF):c.443A>G (p.Asp148Gly)

Gene: DYSF (dysferlin; plus strand). Cytogenetic location: 2p13.2.
Variant type: single nucleotide variant.
Coding change: c.443A>G on transcript NM_001130987.2 (MANE Select); coding-DNA position 443, A replaced by G.
Protein change: p.Asp148Gly; replaces aspartic acid 148 with glycine.
Molecular consequence: missense variant.
Genome position (GRCh38, 1-based): chr2:71,511,904, A>G. VCF-style: chr2-71511904-A-G. GRCh37 (hg19) VCF-style: chr2-71739034-A-G.
Other names: c.443A>G, p.Asp148Gly (NM_001130455.2, NM_001130982.2, NM_001130983.2 and 3 more transcripts); c.440A>G, p.Asp147Gly (NM_001130976.2, NM_001130977.2, NM_001130978.2 and 4 more transcripts); short protein forms D148G, D147G.
Identifiers: ClinVar variation 665614 (VCV000665614.6), dbSNP rs113919086, ClinGen allele CA49756580.
Genomic context (GRCh38, chr2:71,511,904, plus strand): 5'-CTGGAGCTGTGCCCCTGTTCCCGCCCCCTACTCCTCTGGAGCCCTCCCCGACTCTGCCTG[A>G]CCTGGATGTAGTGGCAGGTGGGTAGCCCACGTTGGCCTGGCTGGGCCCCAGCAAGAAGGC-3'
Protein context (NP_001124459.1, residues 138-158): TPLEPSPTLP[Asp148Gly]LDVVAGGGQS